The following is an entry in ClinVar:

NM_001267550.2(TTN):c.94486G>A (p.Glu31496Lys)

Genes: TTN (titin; minus strand), TTN-AS1 (TTN antisense RNA 1; plus strand). Cytogenetic location: 2q31.2.
Variant type: single nucleotide variant.
Coding change: c.94486G>A on transcript NM_001267550.2 (MANE Select); coding-DNA position 94486, G replaced by A.
Protein change: p.Glu31496Lys; replaces glutamic acid 31496 with lysine.
Molecular consequence: missense variant.
Genome position (GRCh38, 1-based): chr2:178,547,039, C>T on the plus strand (G>A on the coding strand, the complement: TTN is on the minus strand). VCF-style: chr2-178547039-C-T. GRCh37 (hg19) VCF-style: chr2-179411766-C-T.
Other names: c.89563G>A, p.Glu29855Lys (NM_001256850.1); c.67291G>A, p.Glu22431Lys (NM_003319.4); c.86782G>A, p.Glu28928Lys (NM_133378.4); c.67666G>A, p.Glu22556Lys (NM_133432.3); c.67867G>A, p.Glu22623Lys (NM_133437.4); short protein forms E22431K, E22556K, E22623K, E28928K, E29855K, E31496K.
Identifiers: ClinVar variation 1331058 (VCV001331058.10), dbSNP rs769175534, ClinGen allele CA1987129.
Genomic context (GRCh38, chr2:178,547,039, plus strand): 5'-ATGCCCTTAAATTGTGATACATACCAACTGGATTTTGAGCCATTATAGGTCTTGAAGCTT[C>T]GCTGGCCTTGCTAACACCTGCAGCATTGAGTGCATAAGTTCTGAACTGATATTCCAGTCC-3'
Protein context (NP_001254479.2, residues 31486-31506): LNAAGVSKAS[Glu31496Lys]ASRPIMAQNP

ClinVar aggregate classification (germline): Uncertain significance. Review status: criteria provided, multiple submitters, no conflicts (2 of 4 stars). 3 submissions from 3 submitters: Uncertain significance (3). Last evaluated 2021-04-13.

Conditions:
Cardiovascular phenotype. Identifiers: MedGen CN230736.

Allele frequency attached by ClinVar (database versions not stated): gnomAD 0.00001; TOPMed 0.00001; ExAC 0.00002; gnomAD exomes 0.00003.
gnomAD v4.1: 21 of 1,613,214 alleles (0.0013%); highest among the groups gnomAD compares: Admixed American, 0.005%; no homozygotes.

Submissions (3):

ARUP Laboratories, Molecular Genetics and Genomics, ARUP Laboratories
Classification: Uncertain significance. Last evaluated: 2021-04-13. Review status: criteria provided, single submitter. Criteria: ARUP Molecular Germline Variant Investigation Process 2021. Collection method: clinical testing. Allele origin: germline.
Comment: The TTN c.94486G>A; p.Glu31496Lys variant (rs769175534) is rare in the general population (<0.2% allele frequency in the Genome Aggregation Database) and has not been reported in the medical literature in association with dilated cardiomyopathy (DCM) or other TTN-related disease. The clinical relevance of rare missense variants in this gene, which are identified on average once per individual sequenced in affected populations (Herman 2012), is not well understood. Yet, evidence suggests that the vast majority of such missense variants do not contribute to the clinical outcome of DCM (Begay 2015). Thus, the clinical significance of the p.Glu31496Lys variant cannot be determined with certainty.

Ambry Genetics
Classification: Uncertain significance for Cardiovascular phenotype. Last evaluated: 2020-02-27. Review status: criteria provided, single submitter. Criteria: Ambry Variant Classification Scheme 2023. Collection method: clinical testing. Allele origin: germline.
Comment: The p.E22431K variant (also known as c.67291G>A), located in coding exon 167 of the TTN gene, results from a G to A substitution at nucleotide position 67291. The glutamic acid at codon 22431 is replaced by lysine, an amino acid with similar properties. This amino acid position is highly conserved in available vertebrate species. In addition, this alteration is predicted to be tolerated by in silico analysis. Since supporting evidence is limited at this time, the clinical significance of this alteration remains unclear.

Revvity Omics, Revvity
Classification: Uncertain significance. Last evaluated: 2019-11-14. Review status: criteria provided, single submitter. Criteria: ACMG Guidelines, 2015. Collection method: clinical testing. Allele origin: germline.